The following is an entry in ClinVar:

ClinVar aggregate classification (germline): Uncertain significance. Review status: criteria provided, single submitter (1 of 4 stars). 2 submissions from 2 submitters: Uncertain significance (1). 1 of the submissions does not count toward it. Last evaluated 2022-02-11.

Conditions:
Cohen syndrome (COH1). Also called: Cutis verticis gyrata, retinitis pigmentosa, and sensorineural deafness; PEPPER SYNDROME. Identifiers: Orphanet 193, MedGen C0265223, MONDO:0008999, OMIM 216550.

Allele frequency attached by ClinVar (database versions not stated): gnomAD exomes below 0.00001.
gnomAD v4.1: 1 of 1,613,726 alleles (0.000062%); highest among the groups gnomAD compares: Admixed American, 0.0017%; no homozygotes.

Submissions (2):

Labcorp Genetics (formerly Invitae), Labcorp
Classification: Uncertain significance for Cohen syndrome. Last evaluated: 2022-02-11. Review status: criteria provided, single submitter. Criteria: Invitae Variant Classification Sherloc (09022015). Collection method: clinical testing. Allele origin: germline.
Comment: This variant has not been reported in the literature in individuals affected with VPS13B-related conditions. This sequence change replaces proline, which is neutral and non-polar, with leucine, which is neutral and non-polar, at codon 3019 of the VPS13B protein (p.Pro3019Leu). This variant is not present in population databases (gnomAD no frequency). ClinVar contains an entry for this variant (Variation ID: 969580). Algorithms developed to predict the effect of missense changes on protein structure and function are either unavailable or do not agree on the potential impact of this missense change (SIFT: "Not Available"; PolyPhen-2: "Possibly Damaging"; Align-GVGD: "Not Available"). In summary, the available evidence is currently insufficient to determine the role of this variant in disease. Therefore, it has been classified as a Variant of Uncertain Significance.

Natera, Inc.
Classification: Uncertain significance for Cohen syndrome. Last evaluated: 2020-12-31. Review status: no assertion criteria provided. Collection method: clinical testing. Allele origin: germline. Not counted in ClinVar's aggregate classification.

NM_152564.5(VPS13B):c.8981C>T (p.Pro2994Leu)

Gene: VPS13B (vacuolar protein sorting 13 homolog B; plus strand). Cytogenetic location: 8q22.2.
Variant type: single nucleotide variant.
Coding change: c.8981C>T on transcript NM_152564.5 (MANE Select); coding-DNA position 8981, C replaced by T.
Protein change: p.Pro2994Leu; replaces proline 2994 with leucine.
Molecular consequence: missense variant.
Genome position (GRCh38, 1-based): chr8:99,820,109, C>T. VCF-style: chr8-99820109-C-T. GRCh37 (hg19) VCF-style: chr8-100832337-C-T.
Other names: c.9056C>T, p.Pro3019Leu (NM_017890.5); short protein forms P2994L, P3019L.
Identifiers: ClinVar variation 969580 (VCV000969580.12), dbSNP rs913607878, ClinGen allele CA182329246.